The following is an entry in ClinVar:

NM_001291415.2(KDM6A):c.1604A>G (p.Asn535Ser)

Gene: KDM6A (lysine demethylase 6A; plus strand). Cytogenetic location: Xp11.3.
Variant type: single nucleotide variant.
Coding change: c.1604A>G on transcript NM_001291415.2 (MANE Select); coding-DNA position 1604, A replaced by G.
Protein change: p.Asn535Ser; replaces asparagine 535 with serine.
Molecular consequence: missense variant. On other transcripts: intron variant (6).
Genome position (GRCh38, 1-based): chrX:45,062,669, A>G. VCF-style: chrX-45062669-A-G. GRCh37 (hg19) VCF-style: chrX-44921914-A-G.
Other names: c.1469A>G, p.Asn490Ser (NM_001291416.2, NM_001419811.1); c.1313A>G, p.Asn438Ser (NM_001291417.2); c.560A>G, p.Asn187Ser (NM_001291421.2); c.1604A>G, p.Asn535Ser (NM_001419809.1); c.1448A>G, p.Asn483Ser (NM_001419812.1, NM_021140.4); c.1582-753A>G (NM_001419810.1, NM_001419813.1); c.1426-753A>G (NM_001419814.1, NM_001410742.1); c.1291-753A>G (NM_001419815.1, NM_001291418.2); short protein forms N187S, N438S, N483S, N490S, N535S.
Identifiers: ClinVar variation 3618171 (VCV003618171.2).

ClinVar aggregate classification (germline): Uncertain significance (1 of 4 stars; one submission).

Conditions:
Kabuki syndrome 2 (KABUK2). Also called: KDM6A-Related Kabuki Syndrome. Identifiers: Orphanet 2322, MedGen C3275495, MONDO:0010465, OMIM 300867.

Submission:

Labcorp Genetics (formerly Invitae), Labcorp
Classification: Uncertain significance for Kabuki syndrome 2. Last evaluated: 2024-10-07. Review status: criteria provided, single submitter. Criteria: Invitae Variant Classification Sherloc (09022015). Collection method: clinical testing. Allele origin: germline.
Comment: This sequence change replaces asparagine, which is neutral and polar, with serine, which is neutral and polar, at codon 483 of the KDM6A protein (p.Asn483Ser). This variant is not present in population databases (gnomAD no frequency). This variant has not been reported in the literature in individuals affected with KDM6A-related conditions. Invitae Evidence Modeling of protein sequence and biophysical properties (such as structural, functional, and spatial information, amino acid conservation, physicochemical variation, residue mobility, and thermodynamic stability) indicates that this missense variant is not expected to disrupt KDM6A protein function with a negative predictive value of 80%. In summary, the available evidence is currently insufficient to determine the role of this variant in disease. Therefore, it has been classified as a Variant of Uncertain Significance.